The following is an entry in ClinVar:

NM_001128840.3(CACNA1D):c.3559A>G (p.Arg1187Gly)

Gene: CACNA1D (calcium voltage-gated channel subunit alpha1 D; plus strand). Cytogenetic location: 3p21.1.
Variant type: single nucleotide variant.
Coding change: c.3559A>G on transcript NM_001128840.3 (MANE Select); coding-DNA position 3559, A replaced by G.
Protein change: p.Arg1187Gly; replaces arginine 1187 with glycine.
Molecular consequence: missense variant.
Genome position (GRCh38, 1-based): chr3:53,751,791, A>G. VCF-style: chr3-53751791-A-G. GRCh37 (hg19) VCF-style: chr3-53785818-A-G.
Other names: c.3619A>G, p.Arg1207Gly (NM_000720.4); c.3559A>G, p.Arg1187Gly (NM_001128839.3); short protein forms R1187G, R1207G.
Identifiers: ClinVar variation 1468656 (VCV001468656.8), dbSNP rs2108880884, ClinGen allele CA353250408.

ClinVar aggregate classification (germline): Uncertain significance (1 of 4 stars; one submission).

Submission:

Labcorp Genetics (formerly Invitae), Labcorp
Classification: Uncertain significance. Last evaluated: 2021-04-30. Review status: criteria provided, single submitter. Criteria: Invitae Variant Classification Sherloc (09022015). Collection method: clinical testing. Allele origin: germline.
Comment: Algorithms developed to predict the effect of missense changes on protein structure and function (SIFT, PolyPhen-2, Align-GVGD) all suggest that this variant is likely to be disruptive, but these predictions have not been confirmed by published functional studies and their clinical significance is uncertain. In summary, the available evidence is currently insufficient to determine the role of this variant in disease. Therefore, it has been classified as a Variant of Uncertain Significance. This variant has not been reported in the literature in individuals with CACNA1D-related conditions. This variant is not present in population databases (ExAC no frequency). This sequence change replaces arginine with glycine at codon 1207 of the CACNA1D protein (p.Arg1207Gly). The arginine residue is highly conserved and there is a moderate physicochemical difference between arginine and glycine.